The following is an entry in ClinVar:

ClinVar aggregate classification (germline): Pathogenic (1 of 4 stars; one submission).

Conditions:
Juvenile polyposis syndrome (JPS). Identifiers: Orphanet 2929, MedGen C0345893, MONDO:0017380, OMIM 174900.

Submission:

Labcorp Genetics (formerly Invitae), Labcorp
Classification: Pathogenic for Juvenile polyposis syndrome. Last evaluated: 2024-09-04. Review status: criteria provided, single submitter. Criteria: Invitae Variant Classification Sherloc (09022015). Collection method: clinical testing. Allele origin: germline.
Comment: This sequence change creates a premature translational stop signal (p.Tyr260*) in the SMAD4 gene. It is expected to result in an absent or disrupted protein product. Loss-of-function variants in SMAD4 are known to be pathogenic (PMID: 16152648, 16436638, 22810475). This variant is not present in population databases (gnomAD no frequency). This variant has not been reported in the literature in individuals affected with SMAD4-related conditions. For these reasons, this variant has been classified as Pathogenic.

Literature cited by the submitters: PubMed 16152648; PubMed 16436638; PubMed 22810475.

NM_005359.6(SMAD4):c.780C>A (p.Tyr260Ter)

Gene: SMAD4 (SMAD family member 4; plus strand). Cytogenetic location: 18q21.2.
Variant type: single nucleotide variant.
Coding change: c.780C>A on transcript NM_005359.6 (MANE Select); coding-DNA position 780, C replaced by A.
Protein change: p.Tyr260Ter; replaces tyrosine 260 with a stop codon.
Molecular consequence: nonsense. On other transcripts: non-coding transcript variant (2).
Genome position (GRCh38, 1-based): chr18:51,058,237, C>A. VCF-style: chr18-51058237-C-A. GRCh37 (hg19) VCF-style: chr18-48584607-C-A.
Other names: c.780C>A, p.Tyr260Ter (NM_001407041.1, NM_001407042.1, NM_001407043.1); short protein forms Y260*.
Identifiers: ClinVar variation 3659275 (VCV003659275.2).